The following is an entry in ClinVar:

NM_007214.5(SEC63):c.1673A>C (p.Asn558Thr)

Gene: SEC63 (SEC63 protein translocation regulator; minus strand). Cytogenetic location: 6q21.
Variant type: single nucleotide variant.
Coding change: c.1673A>C on transcript NM_007214.5 (MANE Select); coding-DNA position 1673, A replaced by C.
Protein change: p.Asn558Thr; replaces asparagine 558 with threonine.
Molecular consequence: missense variant.
Genome position (GRCh38, 1-based): chr6:107,893,483, T>G on the plus strand (A>C on the coding strand, the complement: SEC63 is on the minus strand). VCF-style: chr6-107893483-T-G. GRCh37 (hg19) VCF-style: chr6-108214687-T-G.
Other names: short protein forms N558T.
Identifiers: ClinVar variation 2800998 (VCV002800998.3), dbSNP rs1437530016, ClinGen allele CA365179257.
Genomic context (GRCh38, chr6:107,893,483, plus strand): 5'-AACATTTTAGTTTGTATATTTTAGCTTAATAATGATAATAACGATAATAATAAACTTACA[T>G]TCCCAACGACTCCATTTGCCTGCTTTTGTTTCTGTTGCTTTGACTGTGGTAATAGCACAG-3'
Protein context (NP_009145.1, residues 548-568): KQKQANGVVG[Asn558Thr]EAAVKEDEEE

ClinVar aggregate classification (germline): Uncertain significance (1 of 4 stars; one submission).

Submission:

Labcorp Genetics (formerly Invitae), Labcorp
Classification: Uncertain significance. Last evaluated: 2023-07-19. Review status: criteria provided, single submitter. Criteria: Invitae Variant Classification Sherloc (09022015). Collection method: clinical testing. Allele origin: germline.
Comment: This sequence change replaces asparagine, which is neutral and polar, with threonine, which is neutral and polar, at codon 558 of the SEC63 protein (p.Asn558Thr). This variant is not present in population databases (gnomAD no frequency). This variant has not been reported in the literature in individuals affected with SEC63-related conditions. An algorithm developed to predict the effect of missense changes on protein structure and function (PolyPhen-2) suggests that this variant is likely to be tolerated. In summary, the available evidence is currently insufficient to determine the role of this variant in disease. Therefore, it has been classified as a Variant of Uncertain Significance.